The following is an entry in ClinVar:

NM_017780.4(CHD7):c.2793G>C (p.Glu931Asp)

Gene: CHD7 (chromodomain helicase DNA binding protein 7; plus strand). Cytogenetic location: 8q12.2.
Variant type: single nucleotide variant.
Coding change: c.2793G>C on transcript NM_017780.4 (MANE Select); coding-DNA position 2793, G replaced by C.
Protein change: p.Glu931Asp; replaces glutamic acid 931 with aspartic acid.
Molecular consequence: missense variant. On other transcripts: intron variant (1).
Genome position (GRCh38, 1-based): chr8:60,821,885, G>C. VCF-style: chr8-60821885-G-C. GRCh37 (hg19) VCF-style: chr8-61734444-G-C.
Other names: c.1717-40344G>C (NM_001316690.1); short protein forms E931D.
Identifiers: ClinVar variation 4807738 (VCV004807738.1).
Genomic context (GRCh38, chr8:60,821,885, plus strand): 5'-TCCTTATGAAGACAGCACGTGGGAGCGGAGGCAGGACATAGATCAAGCAAAGATCGAGGA[G>C]TTTGAGAAACTAATGTCCAGGGAGCCGGAAACAGAGCGTGTGGTAAGAATTGGCTGATGG-3'
Protein context (NP_060250.2, residues 921-941): RQDIDQAKIE[Glu931Asp]FEKLMSREPE

ClinVar aggregate classification (germline): Uncertain significance (1 of 4 stars; one submission).

Conditions:
CHARGE syndrome (CHARGE). Also called: Hittner Hirsch Kreh syndrome; CHARGE ASSOCIATION--COLOBOMA, HEART ANOMALY, CHOANAL ATRESIA, RETARDATION, GENITAL AND EAR ANOMALIES; Coloboma, heart anomaly, choanal atresia, retardation, genital and ear anomalies; CHARGE association; Hall-Hittner syndrome. Identifiers: Orphanet 138, MedGen C0265354, MONDO:0008965.

Submission:

Labcorp Genetics (formerly Invitae), Labcorp
Classification: Uncertain significance for CHARGE syndrome. Last evaluated: 2025-08-19. Review status: criteria provided, single submitter. Criteria: Invitae Variant Classification Sherloc (09022015). Collection method: clinical testing. Allele origin: germline.
Comment: This sequence change replaces glutamic acid, which is acidic and polar, with aspartic acid, which is acidic and polar, at codon 931 of the CHD7 protein (p.Glu931Asp). This variant is not present in population databases (gnomAD no frequency). This variant has not been reported in the literature in individuals affected with CHD7-related conditions. Invitae Evidence Modeling of protein sequence and biophysical properties (such as structural, functional, and spatial information, amino acid conservation, physicochemical variation, residue mobility, and thermodynamic stability) has been performed for this missense variant. However, the output from this modeling did not meet the statistical confidence thresholds required to predict the impact of this variant on CHD7 protein function. In summary, the available evidence is currently insufficient to determine the role of this variant in disease. Therefore, it has been classified as a Variant of Uncertain Significance.